The following is an entry in ClinVar:

NM_153460.4(IL17RC):c.958T>C (p.Cys320Arg)

Gene: IL17RC (interleukin 17 receptor C; plus strand). Cytogenetic location: 3p25.3.
Variant type: single nucleotide variant.
Coding change: c.958T>C on transcript NM_153460.4 (MANE Select); coding-DNA position 958, T replaced by C.
Protein change: p.Cys320Arg; replaces cysteine 320 with arginine.
Molecular consequence: missense variant. On other transcripts: non-coding transcript variant (1).
Genome position (GRCh38, 1-based): chr3:9,928,385, T>C. VCF-style: chr3-9928385-T-C. GRCh37 (hg19) VCF-style: chr3-9970069-T-C.
Other names: c.958T>C, p.Cys320Arg (NM_001203263.2, NM_001203264.2); c.913T>C, p.Cys305Arg (NM_001203265.2, NM_001367280.1, NM_001410711.1 and 1 more transcripts); c.919T>C, p.Cys307Arg (NM_001367278.1); c.838T>C, p.Cys280Arg (NM_001367279.1); c.1171T>C, p.Cys391Arg (NM_153461.4); short protein forms C280R, C391R, C305R, C320R, C307R.
Identifiers: ClinVar variation 2058948 (VCV002058948.4), dbSNP rs1431774990, ClinGen allele CA351761672.
Genomic context (GRCh38, chr3:9,928,385, plus strand): 5'-CTCTGGCAAGCCGCCCGACTGCAACTGCTGACCCTGCAGAGCTGGCTGCTGGACGCACCG[T>C]GCTCGCTGCCCGCAGAAGCGGCACTGTGCTGGCGGGCTCCGGGTGGGGACCCCTGCCAGC-3'
Protein context (NP_703190.2, residues 310-330): TLQSWLLDAP[Cys320Arg]SLPAEAALCW

ClinVar aggregate classification (germline): Uncertain significance (1 of 4 stars; one submission).

Conditions:
Candidiasis, familial, 9 (CANDF9). Identifiers: Orphanet 1334, MedGen C4225324, MONDO:0014642, OMIM 616445.

gnomAD v4.1: 1 of 1,605,178 alleles (0.000062%); highest among the groups gnomAD compares: Non-Finnish European, 0.000085%; no homozygotes.

Submission:

Labcorp Genetics (formerly Invitae), Labcorp
Classification: Uncertain significance for Candidiasis, familial, 9. Last evaluated: 2022-07-03. Review status: criteria provided, single submitter. Criteria: Invitae Variant Classification Sherloc (09022015). Collection method: clinical testing. Allele origin: germline.
Comment: In summary, the available evidence is currently insufficient to determine the role of this variant in disease. Therefore, it has been classified as a Variant of Uncertain Significance. Algorithms developed to predict the effect of missense changes on protein structure and function are either unavailable or do not agree on the potential impact of this missense change (SIFT: "Deleterious"; PolyPhen-2: "Probably Damaging"; Align-GVGD: "Class C0"). This variant has not been reported in the literature in individuals affected with IL17RC-related conditions. This variant is present in population databases (no rsID available, gnomAD 0.0009%). This sequence change replaces cysteine, which is neutral and slightly polar, with arginine, which is basic and polar, at codon 391 of the IL17RC protein (p.Cys391Arg).